The following is an entry in ClinVar:

ClinVar aggregate classification (germline): Uncertain significance (1 of 4 stars; one submission).

Submission:

GeneDx
Classification: Uncertain significance. Last evaluated: 2024-03-14. Review status: criteria provided, single submitter. Criteria: GeneDx Variant Classification Process June 2021. Collection method: clinical testing. Allele origin: germline. Affected: yes.
Comment: In-frame deletion of 1 amino acid in a non-repeat region; Not observed at significant frequency in large population cohorts (gnomAD); In silico analysis supports a deleterious effect on protein structure/function; Has not been previously published as pathogenic or benign to our knowledge

NM_001367721.1(CASK):c.402TAA[1] (p.Asn136del)

Gene: CASK (calcium/calmodulin dependent serine protein kinase; minus strand). Cytogenetic location: Xp11.4.
Variant type: Microsatellite.
Coding change: c.402TAA[1] on transcript NM_001367721.1 (MANE Select); one copy of the 3-base unit TAA starting at c.402; the reference has two copies in a row; one copy, 3 bases deleted.
Protein change: p.Asn136del; deletes asparagine 136.
Genome position (GRCh38, 1-based): chrX:41,739,406-41,739,408, TTA deleted on the plus strand (TAA on the coding strand, the reverse complement: CASK is on the minus strand); deleting any 3 consecutive bases within chrX:41,739,406-41,739,412 gives the same sequence; the position shown is the placement nearest the transcript's 3' end. VCF-style (leftmost placement, unchanged base first): chrX-41739405-GTTA-G. GRCh37 (hg19) VCF-style: chrX-41598658-GTTA-G.
Other names: c.402TAA[1], p.Asn136del (NM_001126054.3, NM_001126055.3, NM_001410745.1 and 1 more transcripts); short protein forms N136del.
Identifiers: ClinVar variation 3371049 (VCV003371049.1).